The following is an entry in ClinVar:

NM_001918.5(DBT):c.787A>G (p.Met263Val)

Gene: DBT (dihydrolipoamide branched chain transacylase E2; minus strand). Cytogenetic location: 1p21.2.
Variant type: single nucleotide variant.
Coding change: c.787A>G on transcript NM_001918.5 (MANE Select); coding-DNA position 787, A replaced by G.
Protein change: p.Met263Val; replaces methionine 263 with valine.
Molecular consequence: missense variant.
Genome position (GRCh38, 1-based): chr1:100,214,969, T>C on the plus strand (A>G on the coding strand, the complement: DBT is on the minus strand). VCF-style: chr1-100214969-T-C. GRCh37 (hg19) VCF-style: chr1-100680525-T-C.
Other names: short protein forms M263V.
Identifiers: ClinVar variation 1358173 (VCV001358173.10), dbSNP rs753685282, ClinGen allele CA969654.

ClinVar aggregate classification (germline): Uncertain significance. Review status: criteria provided, multiple submitters, no conflicts (2 of 4 stars). 2 submissions from 2 submitters: Uncertain significance (2). Last evaluated 2025-09-15.

Conditions:
Maple syrup urine disease (MSUD). Identifiers: Orphanet 511, MedGen C0024776, MeSH D008375, MONDO:0009563. Disease mechanism: loss of function.

Allele frequency attached by ClinVar (database versions not stated): gnomAD exomes below 0.00001; TOPMed below 0.00001; ExAC 0.00001.
gnomAD v4.1: 1 of 1,611,274 alleles (0.000062%); highest among the groups gnomAD compares: Non-Finnish European, 0.000085%; no homozygotes.

Submissions (2):

Labcorp Genetics (formerly Invitae), Labcorp
Classification: Uncertain significance for Maple syrup urine disease. Last evaluated: 2025-09-15. Review status: criteria provided, single submitter. Criteria: Invitae Variant Classification Sherloc (09022015). Collection method: clinical testing. Allele origin: germline.
Comment: This sequence change replaces methionine, which is neutral and non-polar, with valine, which is neutral and non-polar, at codon 263 of the DBT protein (p.Met263Val). This variant is present in population databases (rs753685282, gnomAD 0.0009%). This variant has not been reported in the literature in individuals affected with DBT-related conditions. ClinVar contains an entry for this variant (Variation ID: 1358173). Invitae Evidence Modeling of protein sequence and biophysical properties (such as structural, functional, and spatial information, amino acid conservation, physicochemical variation, residue mobility, and thermodynamic stability) has been performed for this missense variant. However, the output from this modeling did not meet the statistical confidence thresholds required to predict the impact of this variant on DBT protein function. This variant disrupts the p.Met263 amino acid residue in DBT. Other variant(s) that disrupt this residue have been determined to be pathogenic (PMID: 16786533, 19480318). This suggests that this residue is clinically significant, and that variants that disrupt this residue are likely to be disease-causing. In summary, the available evidence is currently insufficient to determine the role of this variant in disease. Therefore, it has been classified as a Variant of Uncertain Significance.

Women's Health and Genetics/Laboratory Corporation of America, LabCorp
Classification: Uncertain significance. Last evaluated: 2025-04-30. Review status: criteria provided, single submitter. Criteria: LabCorp Variant Classification Summary - May 2015. Collection method: clinical testing. Allele origin: germline.
Comment: Variant summary: DBT c.787A>G (p.Met263Val) results in a conservative amino acid change in the encoded protein sequence. Three of five in-silico tools predict a damaging effect of the variant on protein function. The variant allele was found at a frequency of 4e-06 in 251328 control chromosomes. The available data on variant occurrences in the general population are insufficient to allow any conclusion about variant significance. To our knowledge, no occurrence of c.787A>G in individuals affected with Maple Syrup Urine Disease and no experimental evidence demonstrating its impact on protein function have been reported. ClinVar contains an entry for this variant (Variation ID: 1358173). Based on the evidence outlined above, the variant was classified as uncertain significance.

Literature cited by the submitters: PubMed 16786533 (cited by Labcorp Genetics (formerly Invitae), Labcorp); PubMed 19480318 (cited by Labcorp Genetics (formerly Invitae), Labcorp).